The following is an entry in ClinVar:

NM_001371623.1(TCOF1):c.1853C>T (p.Ala618Val)

Gene: TCOF1 (treacle ribosome biogenesis factor 1; plus strand). Cytogenetic location: 5q32.
Variant type: single nucleotide variant.
Coding change: c.1853C>T on transcript NM_001371623.1 (MANE Select); coding-DNA position 1853, C replaced by T.
Protein change: p.Ala618Val; replaces alanine 618 with valine.
Molecular consequence: missense variant.
Genome position (GRCh38, 1-based): chr5:150,375,869, C>T. VCF-style: chr5-150375869-C-T. GRCh37 (hg19) VCF-style: chr5-149755432-C-T.
Other names: c.1622C>T, p.Ala541Val (NM_000356.4, NM_001135245.2); c.1853C>T, p.Ala618Val (NM_001008657.3, NM_001135243.2, NM_001135244.2 and 1 more transcripts); short protein forms A541V, A618V.
Identifiers: ClinVar variation 2632251 (VCV002632251.2), dbSNP rs760114309, ClinGen allele CA3511021.
Genomic context (GRCh38, chr5:150,375,869, plus strand): 5'-AGGTCAAGGCTGAAAAGCCCATGGACAACTCGGAGAGCAGCGAGGAGTCATCGGACAGTG[C>T]GGACAGTGAGGAGGCACCAGCAGCCATGACTGCAGCTCAGGTGAGGCCTGGGGAAGGAGG-3'
Protein context (NP_001358552.1, residues 608-628): SESSEESSDS[Ala618Val]DSEEAPAAMT

ClinVar aggregate classification (germline): Uncertain significance. Review status: criteria provided, multiple submitters, no conflicts (2 of 4 stars). 2 submissions from 2 submitters: Uncertain significance (2). Last evaluated 2025-03-19.

Conditions:
TCOF1-related disorder. Also called: TCOF1-related condition.

Allele frequency attached by ClinVar (database versions not stated): gnomAD 0.00001; TOPMed 0.00001; ExAC 0.00002; gnomAD exomes 0.00002.
gnomAD v4.1: 26 of 1,614,002 alleles (0.0016%); highest among the groups gnomAD compares: Admixed American, 0.0033%; no homozygotes.

Submissions (2):

GeneDx
Classification: Uncertain significance. Last evaluated: 2025-03-19. Review status: criteria provided, single submitter. Criteria: GeneDx Variant Classification Process June 2021. Collection method: clinical testing. Allele origin: germline. Affected: yes.
Comment: In silico analysis indicates that this missense variant does not alter protein structure/function; Has not been previously published as pathogenic or benign to our knowledge

PreventionGenetics, part of Exact Sciences
Classification: Uncertain significance for TCOF1-related condition. Last evaluated: 2023-05-19. Review status: criteria provided, single submitter. Criteria: ACMG Guidelines, 2015. Collection method: clinical testing. Allele origin: germline.
Comment: The TCOF1 c.1853C>T variant is predicted to result in the amino acid substitution p.Ala618Val. To our knowledge, this variant has not been reported in the literature. This variant is reported in 0.0050% of alleles in individuals of East Asian descent in gnomAD. At this time, the clinical significance of this variant is uncertain due to the absence of conclusive functional and genetic evidence.